The following is an entry in ClinVar:

ClinVar aggregate classification (germline): Uncertain significance (1 of 4 stars; one submission).

Conditions:
Hereditary cancer-predisposing syndrome. Also called: Hereditary neoplastic syndrome; Neoplastic Syndromes, Hereditary; Tumor predisposition; Hereditary Cancer Syndrome. Identifiers: Orphanet 140162, MedGen C0027672, MeSH D009386, MONDO:0015356.

Submission:

Ambry Genetics
Classification: Uncertain significance for Hereditary cancer-predisposing syndrome. Last evaluated: 2025-03-14. Review status: criteria provided, single submitter. Criteria: Ambry Variant Classification Scheme 2023. Collection method: clinical testing. Allele origin: germline.
Comment: The p.K544N variant (also known as c.1632G>C), located in coding exon 8 of the ALK gene, results from a G to C substitution at nucleotide position 1632. The lysine at codon 544 is replaced by asparagine, an amino acid with similar properties. This amino acid position is well conserved in available vertebrate species. In addition, this alteration is predicted to be tolerated by in silico analysis. Based on the available evidence, the clinical significance of this variant remains unclear.

NM_004304.5(ALK):c.1632G>C (p.Lys544Asn)

Gene: ALK (ALK receptor tyrosine kinase; minus strand). Cytogenetic location: 2p23.2.
Variant type: single nucleotide variant.
Coding change: c.1632G>C on transcript NM_004304.5 (MANE Select); coding-DNA position 1632, G replaced by C.
Protein change: p.Lys544Asn; replaces lysine 544 with asparagine.
Molecular consequence: missense variant.
Genome position (GRCh38, 1-based): chr2:29,318,319, C>G on the plus strand (G>C on the coding strand, the complement: ALK is on the minus strand). VCF-style: chr2-29318319-C-G. GRCh37 (hg19) VCF-style: chr2-29541185-C-G.
Other names: short protein forms K544N.
Identifiers: ClinVar variation 3855985 (VCV003855985.1).